The following is an entry in ClinVar:

ClinVar aggregate classification (germline): Uncertain significance (1 of 4 stars; one submission).

gnomAD v4.1: 2 of 1,614,262 alleles (0.00012%); highest among the groups gnomAD compares: East Asian, 0.0022%; no homozygotes.

Submission:

Women's Health and Genetics/Laboratory Corporation of America, LabCorp
Classification: Uncertain significance. Last evaluated: 2026-03-26. Review status: criteria provided, single submitter. Criteria: LabCorp Variant Classification Summary - May 2015. Collection method: clinical testing. Allele origin: germline.
Comment: Variant summary: SLC12A3 c.969C>A (p.Asp323Glu) results in a conservative amino acid change in the encoded protein sequence. Algorithms developed to predict the effect of missense changes on protein structure and function are either unavailable or do not agree on the potential impact of this missense change. The variant was absent in 251462 control chromosomes. The available data on variant occurrences in the general population are insufficient to allow any conclusion about variant significance. c.969C>A has been observed in at least one compound heterozygous individual affected with Gitelman syndrome who carried multiple additional SLC12A3 variants in cis and trans to the c.969C>A variant (example: Zhang_2021). This report does not provide unequivocal conclusions about association of the variant with Familial Hypokalemia-Hypomagnesemia. To our knowledge, no experimental evidence demonstrating an impact on protein function has been reported. The following publication has been ascertained in the context of this evaluation (PMID: 33996672). No submitters have cited clinical-significance assessments for this variant to ClinVar. Based on the evidence outlined above, the variant was classified as uncertain significance.

Literature cited by the submitters: PubMed 33996672.

NM_001126108.2(SLC12A3):c.969C>A (p.Asp323Glu)

Gene: SLC12A3 (solute carrier family 12 member 3; plus strand). Cytogenetic location: 16q13.
Variant type: single nucleotide variant.
Coding change: c.969C>A on transcript NM_001126108.2 (MANE Select); coding-DNA position 969, C replaced by A.
Protein change: p.Asp323Glu; replaces aspartic acid 323 with glutamic acid.
Molecular consequence: missense variant.
Genome position (GRCh38, 1-based): chr16:56,872,660, C>A. VCF-style: chr16-56872660-C-A. GRCh37 (hg19) VCF-style: chr16-56906572-C-A.
Other names: c.969C>A, p.Asp323Glu (NM_000339.3); c.966C>A, p.Asp322Glu (NM_001126107.2, NM_001410896.1); short protein forms D322E, D323E.
Identifiers: ClinVar variation 4847667 (VCV004847667.1).